The following is an entry in ClinVar:

NM_017449.5(EPHB2):c.624G>A (p.Gln208=)

Gene: EPHB2 (EPH receptor B2; plus strand). Cytogenetic location: 1p36.12.
Variant type: single nucleotide variant.
Coding change: c.624G>A on transcript NM_017449.5 (MANE Select); coding-DNA position 624, G replaced by A.
Protein change: p.Gln208=; no amino-acid change (glutamine 208 retained).
Molecular consequence: synonymous variant.
Genome position (GRCh38, 1-based): chr1:22,784,889, G>A. VCF-style: chr1-22784889-G-A. GRCh37 (hg19) VCF-style: chr1-23111382-G-A.
Other names: c.624G>A, p.Gln208= (NM_001309192.2, NM_001309193.2, NM_004442.7).
Identifiers: ClinVar variation 767661 (VCV000767661.5), dbSNP rs141122680, ClinGen allele CA678407.

ClinVar aggregate classification (germline): Benign/Likely benign. Review status: criteria provided, multiple submitters, no conflicts (2 of 4 stars). 2 submissions from 2 submitters: Benign (1); Likely benign (1). Last evaluated 2025-08-22.

Conditions:
EPHB2-related disorder. Also called: EPHB2-related condition.

Allele frequency attached by ClinVar (database versions not stated): gnomAD exomes 0.00013 and 0.00033; ExAC 0.00042; ESP Exome Variant Server 0.00108; gnomAD 0.00112 and 0.00125; 1000 Genomes Project 0.00120; TOPMed 0.00139; 1000 Genomes Project 30x 0.00156.
gnomAD v4.1: 387 of 1,613,776 alleles (0.024%); highest among the groups gnomAD compares: African/African-American, 0.44%; 3 homozygotes.

Submissions (2):

PreventionGenetics, part of Exact Sciences
Classification: Likely benign for EPHB2-related condition. Last evaluated: 2025-08-22. Review status: criteria provided, single submitter. Criteria: ACMG Guidelines, 2015. Collection method: clinical testing. Allele origin: germline.
Comment: This variant is classified as likely benign based on ACMG/AMP sequence variant interpretation guidelines (Richards et al. 2015 PMID: 25741868, with internal and published modifications).

Labcorp Genetics (formerly Invitae), Labcorp
Classification: Benign. Last evaluated: 2019-12-31. Review status: criteria provided, single submitter. Criteria: Invitae Variant Classification Sherloc (09022015). Collection method: clinical testing. Allele origin: germline.